The following is an entry in ClinVar:

NC_012920.1(MT-TS2):m.12246C>T

Gene: MT-TS2 (mitochondrially encoded tRNA serine 2 (AGU/C); plus strand).
Variant type: single nucleotide variant.
Genome position: chrM-12246-C-T.
Identifiers: ClinVar variation 690172 (VCV000690172.1), dbSNP rs28508189, ClinGen allele CA913169847.

ClinVar aggregate classification (germline): Benign (1 of 4 stars; one submission).

Conditions:
MELAS syndrome (MELAS). Also called: Juvenile myopathy, encephalopathy, lactic acidosis, stroke. Identifiers: Orphanet 550, MedGen C0162671, MONDO:0010789, OMIM 540000.

Submission:

Wong Mito Lab, Molecular and Human Genetics, Baylor College of Medicine
Classification: Benign for MELAS syndrome. Last evaluated: 2019-07-12. Review status: criteria provided, single submitter. Criteria: Modified ACMG Guidelines (Unpublished). Collection method: clinical testing. Allele origin: germline.
Comment: The NC_012920.1:m.12246C>T variant in MT-TS2 gene is interpreted to be a Benign variant based on the modified ACMG guidelines (unpublished). This variant meets the following evidence codes reported in the guidelines: BS1, BS2, BP4

Literature cited by the submitters: PubMed 31965079.